The following is an entry in ClinVar:

NM_018325.5(C9orf72):c.462C>T (p.Val154=)

Gene: C9orf72 (C9orf72-SMCR8 complex subunit; minus strand). Cytogenetic location: 9p21.2.
Variant type: single nucleotide variant.
Coding change: c.462C>T on transcript NM_018325.5 (MANE Select); coding-DNA position 462, C replaced by T.
Protein change: p.Val154=; no amino-acid change (valine 154 retained).
Molecular consequence: synonymous variant.
Genome position (GRCh38, 1-based): chr9:27,565,573, G>A on the plus strand (C>T on the coding strand, the complement: C9orf72 is on the minus strand). VCF-style: chr9-27565573-G-A. GRCh37 (hg19) VCF-style: chr9-27565571-G-A.
Other names: c.462C>T, p.Val154= (NM_001256054.3, NM_145005.7).
Identifiers: ClinVar variation 366527 (VCV000366527.5), dbSNP rs188263738, ClinGen allele CA5017970.

ClinVar aggregate classification (germline): Benign (1 of 4 stars; one submission).

Conditions:
Frontotemporal dementia and/or amyotrophic lateral sclerosis 1 (FTDALS1). Also called: Frontotemporal dementia with motor neuron disease 1; C9orf72 Frontotemporal Dementia and/or Amyotrophic Lateral Sclerosis. Identifiers: Orphanet 275872, MedGen C5779877, MONDO:0007105, OMIM 105550.

Allele frequency attached by ClinVar (database versions not stated): gnomAD 0.00019 and 0.00028; TOPMed 0.00031; gnomAD exomes 0.00061; ExAC 0.00069; 1000 Genomes Project 30x 0.00094; 1000 Genomes Project 0.00120.
gnomAD v4.1: 422 of 1,604,206 alleles (0.026%); highest among the groups gnomAD compares: East Asian, 0.84%; 3 homozygotes.

Submission:

Illumina Laboratory Services, Illumina
Classification: Benign for Frontotemporal dementia and/or amyotrophic lateral sclerosis 1. Last evaluated: 2018-01-13. Review status: criteria provided, single submitter. Criteria: ICSL Variant Classification Criteria 13 December 2019. Collection method: clinical testing. Allele origin: germline.
Comment: This variant was observed in the ICSL laboratory as part of a predisposition screen in an ostensibly healthy population. It had not been previously curated by ICSL or reported in the Human Gene Mutation Database (HGMD: prior to June 1st, 2018), and was therefore a candidate for classification through an automated scoring system. Utilizing variant allele frequency, disease prevalence and penetrance estimates, and inheritance mode, an automated score was calculated to assess if this variant is too frequent to cause the disease. Based on the score and internal cut-off values, a variant classified as benign is not then subjected to further curation. The score for this variant resulted in a classification of benign for this disease.